The following is an entry in ClinVar:

ClinVar aggregate classification (germline): Uncertain significance (1 of 4 stars; one submission).

Conditions:
Polyglandular autoimmune syndrome, type 1 (APS1). Also called: Autoimmune polyendocrinopathy syndrome, type I; HYPOADRENOCORTICISM WITH HYPOPARATHYROIDISM AND SUPERFICIAL MONILIASIS; PGA I; Autoimmune polyendocrine syndrome type 1; Autoimmune polyendocrinopathy syndrome , type I, with or without reversible metaphyseal dysplasia; AUTOIMMUNE POLYENDOCRINE SYNDROME, TYPE I, WITH OR WITHOUT REVERSIBLE METAPHYSEAL DYSPLASIA. Identifiers: Orphanet 3453, MedGen C0085859, MONDO:0009411, OMIM 240300.

Submission:

Labcorp Genetics (formerly Invitae), Labcorp
Classification: Uncertain significance for Polyglandular autoimmune syndrome, type 1. Last evaluated: 2024-03-12. Review status: criteria provided, single submitter. Criteria: Invitae Variant Classification Sherloc (09022015). Collection method: clinical testing. Allele origin: germline.
Comment: This sequence change replaces alanine, which is neutral and non-polar, with valine, which is neutral and non-polar, at codon 31 of the AIRE protein (p.Ala31Val). This variant is not present in population databases (gnomAD no frequency). This variant has not been reported in the literature in individuals affected with AIRE-related conditions. Advanced modeling of protein sequence and biophysical properties (such as structural, functional, and spatial information, amino acid conservation, physicochemical variation, residue mobility, and thermodynamic stability) has been performed at Invitae for this missense variant, however the output from this modeling did not meet the statistical confidence thresholds required to predict the impact of this variant on AIRE protein function. In summary, the available evidence is currently insufficient to determine the role of this variant in disease. Therefore, it has been classified as a Variant of Uncertain Significance.

NM_000383.4(AIRE):c.92C>T (p.Ala31Val)

Gene: AIRE (autoimmune regulator; plus strand). Cytogenetic location: 21q22.3.
Variant type: single nucleotide variant.
Coding change: c.92C>T on transcript NM_000383.4 (MANE Select); coding-DNA position 92, C replaced by T.
Protein change: p.Ala31Val; replaces alanine 31 with valine.
Molecular consequence: missense variant.
Genome position (GRCh38, 1-based): chr21:44,286,098, C>T. VCF-style: chr21-44286098-C-T. GRCh37 (hg19) VCF-style: chr21-45705981-C-T.
Other names: short protein forms A31V.
Identifiers: ClinVar variation 3674412 (VCV003674412.2).